The following is an entry in ClinVar:

NM_001190274.2(FBXO11):c.914C>A (p.Pro305Gln)

Gene: FBXO11 (F-box protein 11; minus strand). Cytogenetic location: 2p16.3.
Variant type: single nucleotide variant.
Coding change: c.914C>A on transcript NM_001190274.2 (MANE Select); coding-DNA position 914, C replaced by A.
Protein change: p.Pro305Gln; replaces proline 305 with glutamine.
Molecular consequence: missense variant.
Genome position (GRCh38, 1-based): chr2:47,834,599, G>T on the plus strand (C>A on the coding strand, the complement: FBXO11 is on the minus strand). VCF-style: chr2-47834599-G-T. GRCh37 (hg19) VCF-style: chr2-48061738-G-T.
Other names: c.662C>A, p.Pro221Gln (NM_001374325.1, NM_025133.4); short protein forms P221Q, P305Q.
Identifiers: ClinVar variation 1698152 (VCV001698152.2), dbSNP rs2104823139, ClinGen allele CA346811655.

ClinVar aggregate classification (germline): Uncertain significance (1 of 4 stars; one submission).

Submission:

GeneDx
Classification: Uncertain significance. Last evaluated: 2022-01-20. Review status: criteria provided, single submitter. Criteria: GeneDx Variant Classification Process June 2021. Collection method: clinical testing. Allele origin: germline. Affected: yes.
Comment: Not observed at significant frequency in large population cohorts (gnomAD); In silico analysis supports that this missense variant has a deleterious effect on protein structure/function; Has not been previously published as pathogenic or benign to our knowledge